The following is an entry in ClinVar:

NM_000152.5(GAA):c.1411_1414del (p.Glu471fs)

Gene: GAA (alpha glucosidase; plus strand). Cytogenetic location: 17q25.3.
Variant type: Deletion.
Coding change: c.1411_1414del on transcript NM_000152.5 (MANE Select); coding-DNA positions 1411 to 1414, 4 bases deleted (GAGA; older notation c.1411_1414delGAGA).
Protein change: p.Glu471fs; shifts the reading frame from glutamic acid 471.
Molecular consequence: frameshift variant.
Genome position (GRCh38, 1-based): chr17:80,110,029-80,110,032, GAGA deleted. VCF-style (leftmost placement, unchanged base first): chr17-80110028-CGAGA-C. GRCh37 (hg19) VCF-style: chr17-78083827-CGAGA-C.
Other names: c.1411_1414del (LRG_673t1, NM_000152.3); c.1411_1414del, p.Glu471fs (NM_001079803.3, NM_001079804.3); c.1411_1414delGAGA (NM_000152.5, NM_000152.4, NM_000152.4); short protein forms E471fs.
Identifiers: ClinVar variation 188874 (VCV000188874.27), dbSNP rs770276275, ClinGen allele CA274067.
Genomic context (GRCh38, chr17:80,110,028, plus strand): 5'-CCCTGCCGGGAGCTACAGGCCCTACGACGAGGGTCTGCGGAGGGGGGTTTTCATCACCAA[CGAGA>C]CCGGCCAGCCGCTGATTGGGAAGGTAGGGCGAGGGTCCAGGGGACGGGGGTTAGAAAGCA-3'

ClinVar aggregate classification (germline): Pathogenic. Review status: reviewed by expert panel (3 of 4 stars). 10 submissions from 10 submitters: Pathogenic (1). 9 of the submissions do not count toward it. Last evaluated 2020-10-08.

Conditions:
GAA-related disorder. Also called: GAA-related condition.
Glycogen storage disease, type II (IOPD). Also called: CARDIOMEGALIA GLYCOGENICA DIFFUSA; Glycogen storage disease type 2; Acid maltase deficiency disease; Aglucosidase alfa; Deficiency of alpha-glucosidase; Deficiency of lysosomal alpha-glucosidase. Identifiers: Orphanet 365, MedGen C0017921, MONDO:0009290, OMIM 232300.

Allele frequency attached by ClinVar (database versions not stated): gnomAD exomes below 0.00001 and 0.00002; gnomAD 0.00001; ExAC 0.00002.

Submissions (10):

ClinGen Lysosomal Storage Disorder Variant Curation Expert Panel
Classification: Pathogenic for Glycogen storage disease, type II. Last evaluated: 2020-10-08. Review status: reviewed by expert panel. Criteria: ClinGen LSD ACMG Specifications v1. Collection method: curation. Allele origin: germline. Inheritance: Autosomal recessive inheritance.
Comment: This variant, c.1411_1414del (p.Glu471ProfsTer5), is a frameshift variant that is predicted to result in a premature termination codon, nonsense mediated decay, and lack of gene product. Therefore, PVS1 can be applied. The highest population minor allele frequency in gnomAD v2.1.1 is 0.0002513 in the East Asian population, meeting PM2. This variant has been reported multiple times in Asian patients with Pompe disease presenting clinically and identified by newborn screening. At least eight patients with Pompe disease and meeting the ClinGen LSD VCEP's specifications for PP4 have been reported as compound heterozygous with either c.214C>A (p.Leu141Met), c.872T>C, (p.Leu291Pro), c.1933G>C (p.Asp645His), or c.1935C>A (p.Asp645Glu) (PMIDs 8604985, 18458862, 24243590, 31510962). The in trans data for these patients will be used in the assessment of the missense variants and, therefore, was not included here in order to avoid circular logic. Additional patients with this variant have been reported but were not included because no residual GAA activity provided and, therefore, PP4 could not be assessed (PMIDs 10338092, 25466677, 27183828, 27692865, 28394184, 29122469), or pseudodeficiency alleles are present (PMID 19948615, 21232767, 23632029, 27183828). Of note, the variant has been reported to be in cis with two missense changes, c.[752C>T; 761C>T] (p.[Ser251Leu; Ser254Leu]) (PMIDs 20080426, 25466677, 27183828, 29122469). There is a ClinVar entry for this variant (Variation ID: 188874, 2 star review status) with three submitters classifying the variant as pathogenic, and one as likely pathogenic. In summary, this variant meets the criteria to be classified as pathogenic for Pompe disease. GAA-specific ACMG/AMP criteria applied, as specified by the ClinGen LSD VCEP: PVS1, PM2, PP4.

Genomenon, Inc
Classification: Pathogenic for Glycogen storage disease, type II. Last evaluated: 2026-07-01. Review status: criteria provided, single submitter. Criteria: Genomenon Sequence Variant Interpretation Standards - Updated. Collection method: curation. Allele origin: germline. Affected: yes. Not counted in ClinVar's aggregate classification.
Comment: GAA p.Glu471ProfsTer5 (c.1411_1414del) is a frameshift variant that is predicted to introduce a premature termination codon and result in a truncated or absent protein product. This variant has been observed in at least one proband with a GAA-related disorder (PMID:40952111;37542277;36137614;35386406;34353347;32711049;31953985;31510962;24706590;8604985). It is absent or not present at a significant frequency in gnomAD. In conclusion, we classify GAA p.Glu471ProfsTer5 (c.1411_1414del) as a pathogenic variant.

Natera, Inc.
Classification: Pathogenic for Glycogen storage disease type II. Last evaluated: 2025-11-12. Review status: criteria provided, single submitter. Criteria: Natera Variant Classification Schema (03/2026). Collection method: clinical testing. Allele origin: germline. Not counted in ClinVar's aggregate classification.
Comment: The c.1411_1414delGAGA variant in GAA is a frameshift variant predicted to shift the reading frame beginning at codon 471 and leads to a stop codon 5 codons downstream. This variant is expected to result in nonsense mediated decay, truncation, or a dysfunctional protein product. This variant is rare in the general population with a frequency below the threshold expected for the associated phenotype(s). This variant has been observed in one or more individuals affected with the associated recessive disease, as either homozygous or compound heterozygous with a second variant (PMID: 18458862). Given the available evidence, this variant is classified as Pathogenic.

Labcorp Genetics (formerly Invitae), Labcorp
Classification: Pathogenic for Glycogen storage disease, type II. Last evaluated: 2025-05-12. Review status: criteria provided, single submitter. Criteria: Invitae Variant Classification Sherloc (09022015). Collection method: clinical testing. Allele origin: germline. Not counted in ClinVar's aggregate classification.
Comment: This sequence change creates a premature translational stop signal (p.Glu471Profs*5) in the GAA gene. It is expected to result in an absent or disrupted protein product. Loss-of-function variants in GAA are known to be pathogenic (PMID: 18425781, 22252923). This variant is present in population databases (rs770276275, gnomAD 0.03%). This premature translational stop signal has been observed in individuals with infantile-onset Pompe disease (PMID: 8604985, 18458862, 28394184, 29046207). ClinVar contains an entry for this variant (Variation ID: 188874). For these reasons, this variant has been classified as Pathogenic.

Fulgent Genetics
Classification: Pathogenic for Glycogen storage disease, type II. Last evaluated: 2024-03-18. Review status: criteria provided, single submitter. Criteria: ACMG Guidelines, 2015. Collection method: clinical testing. Allele origin: germline. Not counted in ClinVar's aggregate classification.

Broad Center for Mendelian Genomics, Broad Institute of MIT and Harvard
Classification: Pathogenic for Glycogen storage disease, type II. Last evaluated: 2020-01-22. Review status: criteria provided, single submitter. Criteria: ACMG Guidelines, 2015. Collection method: curation. Allele origin: germline. Inheritance: Autosomal recessive inheritance. Not counted in ClinVar's aggregate classification.
Comment: The p.Glu471ProfsTer5 variant in GAA has been reported in 13 individuals from China or Taiwan with Glycogen Storage Disease II (PMID: 28394184, 18458862, 19948615, 10338092, 8604985), and has also been reported likely pathogenic by Counsyl in ClinVar (Variation ID: 188874). This variant has been identified in 0.025% (5/19900) of East Asian chromosomes by the Genome Aggregation Database (gnomAD; dbSNP rs770276275). Although this variant has been seen in the general population, its frequency is low enough to be consistent with a recessive carrier frequency. This variant is predicted to cause a frameshift, which alters the protein's amino acid sequence beginning at position 471 and leads to a premature termination codon 5 amino acids downstream. This alteration is then predicted to lead to a truncated or absent protein. Loss of function of the GAA gene is an established disease mechanism in autosomal recessive Glycogen Storage Disease II. The presence of this variant in combination with reported pathogenic and likely pathogenic variants and in individuals with Glycogen Storage Disease II increases the likelihood that the p.Glu471ProfsTer5 variant is pathogenic (PMID: 18458862, 19948615, 28394184; Variation ID: 189006, 4029). The phenotype of individuals heterozygous for this variant is highly specific for Glycogen Storage Disease II with abnormally low GAA activity detected by assays with patient fibroblasts and/or lymphocytes (PMID: 18458862, 19948615, 28394184). In summary, this variant meets criteria to be classified as pathogenic for Glycogen Storage Disease II in an autosomal recessive manner based on the predicted impact of the variant and multiple occurrences with pathogenic GAA variants in individuals with Glycogen Storage Disease II. ACMG/AMP Criteria applied: PVS1, PM3, PM2, PP4 (Richards 2015).

Revvity Omics, Revvity
Classification: Pathogenic. Last evaluated: 2019-10-29. Review status: criteria provided, single submitter. Criteria: ACMG Guidelines, 2015. Collection method: clinical testing. Allele origin: germline. Not counted in ClinVar's aggregate classification.

Women's Health and Genetics/Laboratory Corporation of America, LabCorp
Classification: Pathogenic for Glycogen storage disease, type II. Last evaluated: 2019-10-24. Review status: criteria provided, single submitter. Criteria: LabCorp Variant Classification Summary - May 2015. Collection method: clinical testing. Allele origin: germline. Not counted in ClinVar's aggregate classification.
Comment: Variant summary: GAA c.1411_1414delGAGA (p.Glu471ProfsX5) results in a premature termination codon, predicted to cause a truncation of the encoded protein or absence of the protein due to nonsense mediated decay, which are commonly known mechanisms for disease. The variant allele was found at a frequency of 1.6e-05 in 249358 control chromosomes (gnomAD). c.1411_1414delGAGA has been reported in the literature in multiple individuals affected with Glycogen Storage Disease, Type 2 (Pompe Disease). The variant has predominantly associated with infantile onset of the disease (e.g. Chien_2006, Labrousse_2010, Shieh_1996, Wan_2008). These data indicate that the variant is very likely to be associated with disease. To our knowledge, no experimental evidence demonstrating an impact on protein function has been reported. No clinical diagnostic laboratories have submitted clinical-significance assessments for this variant to ClinVar after 2014. Based on the evidence outlined above, the variant was classified as pathogenic.

PreventionGenetics, part of Exact Sciences
Classification: Pathogenic for GAA-related condition. Last evaluated: 2024-06-19. Review status: no assertion criteria provided. Collection method: clinical testing. Allele origin: germline. Not counted in ClinVar's aggregate classification.
Comment: The GAA c.1411_1414delGAGA variant is predicted to result in a frameshift and premature protein termination (p.Glu471Profs*5). This variant has been reported as compound heterozygous variant in individuals with glycogen storage disease type 2 (GSD II), also known as Pompe disease (Ko et al. 1999. PubMed ID: 10338092; Mori et al. 2017. PubMed ID: 29122469; Chien et al. 2014. PubMed ID: 25466677; Labrousse et al. 2009. PubMed ID: 20080426; Chen et al. 2017. PubMed ID: 28394184). Biochemical studies revealed significantly reduced GAA enzyme activity in individuals with the c.1411_1414del variant (Wan et al. 2008. PubMed ID: 18458862; Labrousse et al. 2009. PubMed ID: 20080426). This variant is reported in 0.025% of alleles in individuals of East Asian descent in gnomAD. Of note, this variant has been reported to be in cis with the c.[752C>T; 761C>T] (p.[Ser251Leu; Ser254Leu]) haplotype (Labrousse et al. 2009. PubMed ID: 20080426; Chien et al. 2014. PubMed ID: 25466677; Mori et al. 2017. PubMed ID: 29122469). The c.1411_1414delGAGA variant has been classified as likely pathogenic by the ClinGen Lysosomal Storage Disorder Variant Curation Expert Panel (LSD VCEP), as well as pathogenic or likely pathogenic by other outside laboratories. We interpret this variant as pathogenic.

Counsyl
Classification: Likely pathogenic for Glycogen storage disease, type II. Last evaluated: 2014-07-09. Review status: no assertion criteria provided. Collection method: literature only. Allele origin: unknown. Inheritance: Autosomal recessive inheritance. Not counted in ClinVar's aggregate classification.

Literature cited by the submitters: PubMed 29122469 (cited by ClinGen Lysosomal Storage Disorder Variant Curation Expert Panel); PubMed 10338092 (cited by 3 submitters); PubMed 25466677 (cited by ClinGen Lysosomal Storage Disorder Variant Curation Expert Panel); PubMed 40952111 (cited by Genomenon, Inc); PubMed 37542277 (cited by Genomenon, Inc); PubMed 36137614 (cited by Genomenon, Inc); PubMed 35386406 (cited by Genomenon, Inc); PubMed 34353347 (cited by Genomenon, Inc); PubMed 32711049 (cited by Genomenon, Inc); PubMed 31953985 (cited by Genomenon, Inc); PubMed 31510962 (cited by Genomenon, Inc); PubMed 24706590 (cited by Genomenon, Inc); PubMed 8604985 (cited by 5 submitters); PubMed 18458862 (cited by 5 submitters); PubMed 18425781 (cited by Labcorp Genetics (formerly Invitae), Labcorp); PubMed 22252923 (cited by Labcorp Genetics (formerly Invitae), Labcorp); PubMed 28394184 (cited by Labcorp Genetics (formerly Invitae), Labcorp and Broad Center for Mendelian Genomics, Broad Institute of MIT and Harvard); PubMed 29046207 (cited by Labcorp Genetics (formerly Invitae), Labcorp); PubMed 19948615 (cited by Broad Center for Mendelian Genomics, Broad Institute of MIT and Harvard and Counsyl); PubMed 20080426 (cited by Women's Health and Genetics/Laboratory Corporation of America, LabCorp); PubMed 16857770 (cited by Women's Health and Genetics/Laboratory Corporation of America, LabCorp); PubMed 1856189 (cited by Counsyl); PubMed 3049072 (cited by Counsyl).